The following is an entry in ClinVar:

ClinVar aggregate classification (germline): Benign. Review status: criteria provided, multiple submitters, no conflicts (2 of 4 stars). 2 submissions from 2 submitters: Benign (2). Last evaluated 2018-01-13.

Conditions:
Charcot-Marie-Tooth disease type 4H (CMT4H). Also called: CHARCOT-MARIE-TOOTH DISEASE, AUTOSOMAL RECESSIVE, TYPE 4H; CHARCOT-MARIE-TOOTH DISEASE, DEMYELINATING, AUTOSOMAL RECESSIVE, TYPE 4H; CHARCOT-MARIE-TOOTH NEUROPATHY, TYPE 4H; CHARCOT-MARIE-TOOTH DISEASE, DEMYELINATING, TYPE 4H. Identifiers: Orphanet 99954, MedGen C1836336, MONDO:0012250, OMIM 609311.

Allele frequency attached by ClinVar (database versions not stated): 1000 Genomes Project 30x 0.02389; 1000 Genomes Project 0.02536.

Submissions (2):

Illumina Laboratory Services, Illumina
Classification: Benign for Charcot-Marie-Tooth disease type 4H. Last evaluated: 2018-01-13. Review status: criteria provided, single submitter. Criteria: ICSL Variant Classification Criteria 13 December 2019. Collection method: clinical testing. Allele origin: germline.
Comment: This variant was observed in the ICSL laboratory as part of a predisposition screen in an ostensibly healthy population. It had not been previously curated by ICSL or reported in the Human Gene Mutation Database (HGMD: prior to June 1st, 2018), and was therefore a candidate for classification through an automated scoring system. Utilizing variant allele frequency, disease prevalence and penetrance estimates, and inheritance mode, an automated score was calculated to assess if this variant is too frequent to cause the disease. Based on the score and internal cut-off values, a variant classified as benign is not then subjected to further curation. The score for this variant resulted in a classification of benign for this disease.

Breakthrough Genomics
Classification: Benign. Review status: criteria provided, single submitter. Criteria: ACMG Guidelines, 2015. Collection method: not provided. Allele origin: germline. Inheritance: Autosomal recessive inheritance. Affected: yes.

NM_001370298.3(FGD4):c.*3130G>T

Gene: FGD4 (FYVE, RhoGEF and PH domain containing 4; plus strand). Cytogenetic location: 12p11.21.
Variant type: single nucleotide variant.
Coding change: c.*3130G>T on transcript NM_001370298.3 (MANE Select); 3130 bases downstream of the stop codon, G replaced by T.
Molecular consequence: 3 prime UTR variant. On other transcripts: intron variant (3).
Genome position (GRCh38, 1-based): chr12:32,643,663, G>T. VCF-style: chr12-32643663-G-T. GRCh37 (hg19) VCF-style: chr12-32796597-G-T.
Other names: c.*3130G>T (NM_001304481.2, NM_001304484.2, NM_001330373.2 and 5 more transcripts); c.2633-931G>T (NM_001384126.1); c.2222-931G>T (NM_001384127.1, NM_001384128.1).
Identifiers: ClinVar variation 308342 (VCV000308342.6), dbSNP rs73087441, ClinGen allele CA10640939.